The following is an entry in ClinVar:

NM_014862.4(ARNT2):c.1039A>T (p.Ile347Phe)

Gene: ARNT2 (aryl hydrocarbon receptor nuclear translocator 2; plus strand). Cytogenetic location: 15q25.1.
Variant type: single nucleotide variant.
Coding change: c.1039A>T on transcript NM_014862.4 (MANE Select); coding-DNA position 1039, A replaced by T.
Protein change: p.Ile347Phe; replaces isoleucine 347 with phenylalanine.
Molecular consequence: missense variant.
Genome position (GRCh38, 1-based): chr15:80,552,724, A>T. VCF-style: chr15-80552724-A-T. GRCh37 (hg19) VCF-style: chr15-80845065-A-T.
Other names: c.1039A>T (NM_014862.3); short protein forms I347F.
Identifiers: ClinVar variation 1384999 (VCV001384999.9), dbSNP rs766358411, ClinGen allele CA7691897.

ClinVar aggregate classification (germline): Uncertain significance. Review status: criteria provided, multiple submitters, no conflicts (2 of 4 stars). 2 submissions from 2 submitters: Uncertain significance (2). Last evaluated 2024-07-17.

Allele frequency attached by ClinVar (database versions not stated): gnomAD exomes below 0.00001; ExAC 0.00001.
gnomAD v4.1: 12 of 1,614,074 alleles (0.00074%); highest among the groups gnomAD compares: Admixed American, 0.0033%; no homozygotes.

Submissions (2):

Ambry Genetics
Classification: Uncertain significance. Last evaluated: 2024-07-17. Review status: criteria provided, single submitter. Criteria: Ambry Variant Classification Scheme 2023. Collection method: clinical testing. Allele origin: germline.

Labcorp Genetics (formerly Invitae), Labcorp
Classification: Uncertain significance. Last evaluated: 2023-06-09. Review status: criteria provided, single submitter. Criteria: Invitae Variant Classification Sherloc (09022015). Collection method: clinical testing. Allele origin: germline.
Comment: This sequence change replaces isoleucine, which is neutral and non-polar, with phenylalanine, which is neutral and non-polar, at codon 347 of the ARNT2 protein (p.Ile347Phe). In summary, the available evidence is currently insufficient to determine the role of this variant in disease. Therefore, it has been classified as a Variant of Uncertain Significance. An algorithm developed to predict the effect of missense changes on protein structure and function (PolyPhen-2) suggests that this variant is likely to be disruptive. ClinVar contains an entry for this variant (Variation ID: 1384999). This variant has not been reported in the literature in individuals affected with ARNT2-related conditions. This variant is present in population databases (rs766358411, gnomAD 0.0009%).